The following is an entry in ClinVar:

NM_000551.4(VHL):c.340+781G>T

Genes: VHL (von Hippel-Lindau tumor suppressor; plus strand), LOC107303340 (3p25 von Hippel-Lindau tumor suppressor, E3 ubiquitin protein ligase Alu-mediated recombination region; plus strand). Cytogenetic location: 3p25.3.
Variant type: single nucleotide variant.
Coding change: c.340+781G>T on transcript NM_000551.4 (MANE Select); 781 bases into the intron after coding-DNA position 340, G replaced by T.
Molecular consequence: intron variant. On other transcripts: missense variant (1), non-coding transcript variant (1).
Genome position (GRCh38, 1-based): chr3:10,142,968, G>T. VCF-style: chr3-10142968-G-T. GRCh37 (hg19) VCF-style: chr3-10184652-G-T.
Other names: c.546G>T, p.Glu182Asp (NM_001354723.2); c.340+781G>T (NM_198156.3); short protein forms E182D.
Identifiers: ClinVar variation 4793157 (VCV004793157.1).
Genomic context (GRCh38, chr3:10,142,968, plus strand): 5'-ATTGACTTACCTGCCTGCTGGGAGATGGAGGGGTTGCGGTTGTGTGGTTTCAGTTAAGGA[G>T]CACTTCCCGGAGAAGGAAGAGAGCAGGATGGAGTAGGAACTAGCCAACCCTAGGTAAGAG-3'

ClinVar aggregate classification (germline): Uncertain significance (1 of 4 stars; one submission).

Conditions:
Chuvash polycythemia. Also called: POLYCYTHEMIA, VHL-DEPENDENT. Identifiers: Orphanet 238557, MedGen C1837915, MONDO:0009892, OMIM 263400.
Von Hippel-Lindau syndrome (VHLS). Also called: von Hippel–Lindau syndrome; VHL syndrome; Von Hippel-Lindau. Identifiers: Orphanet 892, MedGen C0019562, MONDO:0008667, OMIM 193300. Disease mechanism: loss of function.

Submission:

Labcorp Genetics (formerly Invitae), Labcorp
Classification: Uncertain significance for Von Hippel-Lindau syndrome; Chuvash polycythemia. Last evaluated: 2025-12-08. Review status: criteria provided, single submitter. Criteria: Invitae Variant Classification Sherloc (09022015). Collection method: clinical testing. Allele origin: germline.
Comment: This sequence change falls in intron 1 of the VHL gene. It is not expected to change the encoded amino acid sequence of the VHL protein. However, this sequence change falls within a cryptic exon in the VHL gene, known as exon E1’, which is naturally expressed at low levels in several human tissues (PMID: 29891534). This variant is not present in population databases (gnomAD no frequency). This variant has not been reported in the literature in individuals affected with VHL-related conditions. Algorithms developed to predict the effect of sequence changes on RNA splicing suggest that this variant is not likely to affect RNA splicing. In summary, the available evidence is currently insufficient to determine the role of this variant in disease. Therefore, it has been classified as a Variant of Uncertain Significance.

Literature cited by the submitters: PubMed 29891534.